The following is an entry in ClinVar:

NM_000059.4(BRCA2):c.9611C>T (p.Thr3204Ile)

Gene: BRCA2 (BRCA2 DNA repair associated; plus strand). Cytogenetic location: 13q13.1.
Variant type: single nucleotide variant.
Coding change: c.9611C>T on transcript NM_000059.4 (MANE Select); coding-DNA position 9611, C replaced by T.
Protein change: p.Thr3204Ile; replaces threonine 3204 with isoleucine.
Molecular consequence: missense variant. On other transcripts: non-coding transcript variant (1).
Genome position (GRCh38, 1-based): chr13:32,397,007, C>T. VCF-style: chr13-32397007-C-T. GRCh37 (hg19) VCF-style: chr13-32971144-C-T.
Other names: c.9515C>T, p.Thr3172Ile (NM_001406719.1); c.9560C>T, p.Thr3187Ile (NM_001406720.1); c.4679C>T, p.Thr1560Ile (NM_001406721.1); c.3194C>T, p.Thr1065Ile (NM_001406722.1); short protein forms T1065I, T1560I, T3172I, T3187I, T3204I.
Identifiers: ClinVar variation 2505521 (VCV002505521.2), dbSNP rs80359232, ClinGen allele CA387763639.

ClinVar aggregate classification (germline): Uncertain significance (1 of 4 stars; one submission).

Conditions:
Breast-ovarian cancer, familial, susceptibility to, 2 (BROVCA2). Also called: BRCA2 Hereditary Breast and Ovarian Cancer. Identifiers: Orphanet 145, MedGen C2675520, MONDO:0012933, OMIM 612555. Disease mechanism: loss of function.

Submission:

KCCC/NGS Laboratory, Kuwait Cancer Control Center
Classification: Uncertain significance for Breast-ovarian cancer, familial, susceptibility to, 2. Last evaluated: 2023-06-06. Review status: criteria provided, single submitter. Criteria: ACMG Guidelines, 2015. Collection method: clinical testing. Allele origin: germline. Affected: yes.
Comment: A variant of uncertain significance was detected in the BRCA2 gene (c.9611C>T). This sequence change replaces threonine with isoleucine at codon 3204 of the BRCA2 protein (p.Thr3204Ile). This variant is not present in gnomAD and has not been reported in the literature in individuals with a BRCA2-related disease. ClinVar contains an entry for a missense variant (Variation ID: 52874) at the same position (c.9611C>G) which is classified as variant of uncertain significant . In-silico predictions show benign computational verdict based on 7 benign predictions from PolyPhen, BayesDel_addAF, DANN, EIGEN, FATHMM-MKL, MutationTaster and PrimateAI vs 2 pathogenic predictions from M-CAP and SIFT (and 1 uncertain prediction from MVP) and the position is not highly conserved . Therefore, it has been classified as a Variant of Uncertain Significance.